The following is an entry in ClinVar:

NM_001270508.2(TNFAIP3):c.1047del (p.Gln350fs)

Gene: TNFAIP3 (TNF alpha induced protein 3; plus strand). Cytogenetic location: 6q23.3.
Variant type: Deletion.
Coding change: c.1047del on transcript NM_001270508.2 (MANE Select); coding-DNA position 1047, one base deleted (T; older notation c.1047delT).
Protein change: p.Gln350fs; shifts the reading frame from glutamine 350.
Molecular consequence: frameshift variant.
Genome position (GRCh38, 1-based): chr6:137,878,492, T deleted; the last of 2 consecutive T bases (chr6:137,878,491-137,878,492); deleting either gives the same sequence. VCF-style (leftmost placement, unchanged base first): chr6-137878490-GT-G. GRCh37 (hg19) VCF-style: chr6-138199627-GT-G.
Other names: c.1047del, p.Gln350fs (NM_001270507.2, NM_006290.4); short protein forms Q350fs.
Identifiers: ClinVar variation 4721899 (VCV004721899.1).
Genomic context (GRCh38, chr6:137,878,490, plus strand): 5'-AGGTTGGATGAAGCTAACTTACCAAAAGAAATCAATCTGGTAGATGATTACTTTGAACTT[GT>G]TCAGCATGAGTACAAGAAATGGCAGGAAAACAGCGAGCAGGGGAGGAGAGAGGGGCACGC-3'

ClinVar aggregate classification (germline): Pathogenic (1 of 4 stars; one submission).

Submission:

Labcorp Genetics (formerly Invitae), Labcorp
Classification: Pathogenic. Last evaluated: 2025-06-29. Review status: criteria provided, single submitter. Criteria: Invitae Variant Classification Sherloc (09022015). Collection method: clinical testing. Allele origin: germline.
Comment: This sequence change creates a premature translational stop signal (p.Gln350Serfs*36) in the TNFAIP3 gene. It is expected to result in an absent or disrupted protein product. Loss-of-function variants in TNFAIP3 are known to be pathogenic (PMID: 26642243). This variant is not present in population databases (gnomAD no frequency). This variant has not been reported in the literature in individuals affected with TNFAIP3-related conditions. For these reasons, this variant has been classified as Pathogenic.

Literature cited by the submitters: PubMed 26642243.